The following is an entry in ClinVar:

NM_012144.4(DNAI1):c.501+1G>A

Gene: DNAI1 (dynein axonemal intermediate chain 1; plus strand). Cytogenetic location: 9p13.3.
Variant type: single nucleotide variant.
Coding change: c.501+1G>A on transcript NM_012144.4 (MANE Select); the canonical splice donor site of the intron after coding-DNA position 501, G replaced by A.
Molecular consequence: splice donor variant.
Genome position (GRCh38, 1-based): chr9:34,490,125, G>A. VCF-style: chr9-34490125-G-A. GRCh37 (hg19) VCF-style: chr9-34490123-G-A.
Other names: c.513+1G>A (NM_001281428.2).
Identifiers: ClinVar variation 940548 (VCV000940548.8), dbSNP rs1824556879, ClinGen allele CA373246357.

ClinVar aggregate classification (germline): Likely pathogenic (1 of 4 stars; one submission).

Conditions:
Primary ciliary dyskinesia. Also called: Ciliary dyskinesia. Identifiers: Orphanet 244, MedGen C0008780, MONDO:0016575, HP:0012265.

Submission:

Labcorp Genetics (formerly Invitae), Labcorp
Classification: Likely pathogenic for Primary ciliary dyskinesia. Last evaluated: 2023-12-30. Review status: criteria provided, single submitter. Criteria: Invitae Variant Classification Sherloc (09022015). Collection method: clinical testing. Allele origin: germline.
Comment: This sequence change affects a donor splice site in intron 6 of the DNAI1 gene. It is expected to disrupt RNA splicing. Variants that disrupt the donor or acceptor splice site typically lead to a loss of protein function (PMID: 16199547), and loss-of-function variants in DNAI1 are known to be pathogenic (PMID: 16858015, 29363216). This variant is not present in population databases (gnomAD no frequency). This variant has not been reported in the literature in individuals affected with DNAI1-related conditions. ClinVar contains an entry for this variant (Variation ID: 940548). Algorithms developed to predict the effect of sequence changes on RNA splicing suggest that this variant may disrupt the consensus splice site. In summary, the currently available evidence indicates that the variant is pathogenic, but additional data are needed to prove that conclusively. Therefore, this variant has been classified as Likely Pathogenic.

Literature cited by the submitters: PubMed 16199547; PubMed 16858015; PubMed 29363216.